The following is an entry in ClinVar:

ClinVar aggregate classification (germline): Likely benign. Review status: criteria provided, multiple submitters, no conflicts (2 of 4 stars). 3 submissions from 3 submitters: Likely benign (3). Last evaluated 2025-09-08.

Conditions:
Leukodystrophy, hypomyelinating, 6. Also called: Hypomyelination with Atrophy of Basal Ganglia and Cerebellum (H-ABC); LEUKODYSTROPHY, HYPOMYELINATING, WITH ATROPHY OF THE BASAL GANGLIA AND CEREBELLUM; TUBB4A-Associated Leukodystrophy. Identifiers: Orphanet 139441, MedGen C2676244, MONDO:0012905, OMIM 612438.

Allele frequency attached by ClinVar (database versions not stated): gnomAD 0.00004 and 0.00005; ExAC 0.00009; TOPMed 0.00009; gnomAD exomes 0.00011; 1000 Genomes Project 0.00040; 1000 Genomes Project 30x 0.00047.

Submissions (3):

Labcorp Genetics (formerly Invitae), Labcorp
Classification: Likely benign for Leukodystrophy, hypomyelinating, 6. Last evaluated: 2025-09-08. Review status: criteria provided, single submitter. Criteria: Invitae Variant Classification Sherloc (09022015). Collection method: clinical testing. Allele origin: germline.

CeGaT Center for Human Genetics Tuebingen
Classification: Likely benign. Last evaluated: 2024-09-01. Review status: criteria provided, single submitter. Criteria: CeGaT Center For Human Genetics Tuebingen Variant Classification Criteria Version 2. Collection method: clinical testing. Allele origin: germline. Affected: yes. Observed: 1 variant allele.
Comment: TUBB4A: BP4, BP7

Blueprint Genetics
Classification: Likely benign. Last evaluated: 2023-12-11. Review status: criteria provided, single submitter. Criteria: ACMG Guidelines, 2015. Collection method: clinical testing. Allele origin: germline.

NM_006087.4(TUBB4A):c.741C>T (p.Asn247=)

Gene: TUBB4A (tubulin beta 4A class IVa; minus strand). Cytogenetic location: 19p13.3.
Variant type: single nucleotide variant.
Coding change: c.741C>T on transcript NM_006087.4 (MANE Select); coding-DNA position 741, C replaced by T.
Protein change: p.Asn247=; no amino-acid change (asparagine 247 retained).
Molecular consequence: synonymous variant.
Genome position (GRCh38, 1-based): chr19:6,495,758, G>A on the plus strand (C>T on the coding strand, the complement: TUBB4A is on the minus strand). VCF-style: chr19-6495758-G-A. GRCh37 (hg19) VCF-style: chr19-6495769-G-A.
Other names: c.894C>T, p.Asn298= (NM_001289123.2); c.876C>T, p.Asn292= (NM_001289127.2); c.741C>T, p.Asn247= (NM_001289129.2); c.525C>T, p.Asn175= (NM_001289130.2, NM_001289131.2).
Identifiers: ClinVar variation 701056 (VCV000701056.26), dbSNP rs201693075, ClinGen allele CA9127330.